The following is an entry in ClinVar:

ClinVar aggregate classification (germline): Uncertain significance (1 of 4 stars; one submission).

Conditions:
Familial hemophagocytic lymphohistiocytosis 5. Also called: STXBP2-Related Familial Hemophagocytic Lymphohistiocytosis (STXBP2-fHLH). Identifiers: Orphanet 540, MedGen C2751293, MONDO:0013135, OMIM 613101.

Allele frequency attached by ClinVar (database versions not stated): ExAC 0.00001; gnomAD 0.00001.
gnomAD v4.1: 13 of 1,613,866 alleles (0.00081%); highest among the groups gnomAD compares: South Asian, 0.0044%; no homozygotes.

Submission:

Labcorp Genetics (formerly Invitae), Labcorp
Classification: Uncertain significance for Familial hemophagocytic lymphohistiocytosis 5. Last evaluated: 2025-07-01. Review status: criteria provided, single submitter. Criteria: Invitae Variant Classification Sherloc (09022015). Collection method: clinical testing. Allele origin: germline.
Comment: This sequence change replaces glutamic acid, which is acidic and polar, with lysine, which is basic and polar, at codon 273 of the STXBP2 protein (p.Glu273Lys). The frequency data for this variant in the population databases is considered unreliable, as metrics indicate poor data quality at this position in the gnomAD database. This variant has not been reported in the literature in individuals affected with STXBP2-related conditions. ClinVar contains an entry for this variant (Variation ID: 842791). Invitae Evidence Modeling of protein sequence and biophysical properties (such as structural, functional, and spatial information, amino acid conservation, physicochemical variation, residue mobility, and thermodynamic stability) indicates that this missense variant is not expected to disrupt STXBP2 protein function with a negative predictive value of 95%. In summary, the available evidence is currently insufficient to determine the role of this variant in disease. Therefore, it has been classified as a Variant of Uncertain Significance.

NM_006949.4(STXBP2):c.817G>A (p.Glu273Lys)

Gene: STXBP2 (syntaxin binding protein 2; plus strand). Cytogenetic location: 19p13.2.
Variant type: single nucleotide variant.
Coding change: c.817G>A on transcript NM_006949.4 (MANE Select); coding-DNA position 817, G replaced by A.
Protein change: p.Glu273Lys; replaces glutamic acid 273 with lysine.
Molecular consequence: missense variant. On other transcripts: non-coding transcript variant (1).
Genome position (GRCh38, 1-based): chr19:7,642,451, G>A. VCF-style: chr19-7642451-G-A. GRCh37 (hg19) VCF-style: chr19-7707337-G-A.
Other names: c.808G>A, p.Glu270Lys (NM_001127396.3); c.850G>A, p.Glu284Lys (NM_001272034.2); short protein forms E273K, E270K, E284K.
Identifiers: ClinVar variation 842791 (VCV000842791.8), dbSNP rs765370350, ClinGen allele CA9143809.